The following is an entry in ClinVar:

ClinVar aggregate classification (germline): Uncertain significance (1 of 4 stars; one submission).

Submission:

Laboratory for Molecular Medicine, Mass General Brigham Personalized Medicine
Classification: Uncertain significance. Last evaluated: 2010-12-14. Review status: criteria provided, single submitter. Criteria: LMM Criteria. Collection method: clinical testing. Allele origin: germline. Observed: 1 variant allele.
Comment: Variant classified as Uncertain Significance - Favor Pathogenic. The Gly334Val v ariant has not been reported in the literature and has not been previously detec ted in our laboratory. Glycine (Gly) at position 334 is conserved across in mam mals (more distant species were not available), which is consistent with a disea se causing role but is insufficient to prove pathogenicity. In addition, three c omputer programs (AlignGCGD, PolyPhen, SIFT) predict the variant to significantl y affect the protein?s function. In summary, additional studies are necessary t o determine the clinical significance of this variant.

NM_024422.6(DSC2):c.1001G>T (p.Gly334Val)

Gene: DSC2 (desmocollin 2; minus strand). Cytogenetic location: 18q12.1.
Variant type: single nucleotide variant.
Coding change: c.1001G>T on transcript NM_024422.6 (MANE Select); coding-DNA position 1001, G replaced by T.
Protein change: p.Gly334Val; replaces glycine 334 with valine.
Molecular consequence: missense variant.
Genome position (GRCh38, 1-based): chr18:31,083,002, C>A on the plus strand (G>T on the coding strand, the complement: DSC2 is on the minus strand). VCF-style: chr18-31083002-C-A. GRCh37 (hg19) VCF-style: chr18-28662968-C-A.
Other names: c.1001G>T, p.Gly334Val (NM_004949.5); short protein forms G334V.
Identifiers: ClinVar variation 46159 (VCV000046159.4), dbSNP rs397517388, ClinGen allele CA022379.